The following is an entry in ClinVar:

ClinVar aggregate classification (germline): Likely benign (0 of 4 stars; one submission).

Conditions:
ACE-related disorder. Also called: ACE-related disorders; ACE-related condition.

Allele frequency attached by ClinVar (database versions not stated): gnomAD exomes below 0.00001; TOPMed below 0.00001.

Submission:

PreventionGenetics, part of Exact Sciences
Classification: Likely benign for ACE-related condition. Last evaluated: 2022-09-29. Review status: no assertion criteria provided. Collection method: clinical testing. Allele origin: germline.
Comment: This variant is classified as likely benign based on ACMG/AMP sequence variant interpretation guidelines (Richards et al. 2015 PMID: 25741868, with internal and published modifications).

NM_000789.4(ACE):c.2748G>A (p.Thr916=)

Gene: ACE (angiotensin I converting enzyme; plus strand). Cytogenetic location: 17q23.3.
Variant type: single nucleotide variant.
Coding change: c.2748G>A on transcript NM_000789.4 (MANE Select); coding-DNA position 2748, G replaced by A.
Protein change: p.Thr916=; no amino-acid change (threonine 916 retained).
Molecular consequence: synonymous variant. On other transcripts: non-coding transcript variant (1).
Genome position (GRCh38, 1-based): chr17:63,491,217, G>A. VCF-style: chr17-63491217-G-A. GRCh37 (hg19) VCF-style: chr17-61568578-G-A.
Other names: c.1026G>A, p.Thr342= (NM_001178057.2, NM_152830.3); c.2181G>A, p.Thr727= (NM_001382700.1); c.1896G>A, p.Thr632= (NM_001382701.1); c.486G>A, p.Thr162= (NM_001382702.1).
Identifiers: ClinVar variation 3058558 (VCV003058558.2), dbSNP rs1174230478, ClinGen allele CA501341919.